The following is an entry in ClinVar:

ClinVar aggregate classification (germline): Likely benign (0 of 4 stars; one submission).

Conditions:
ZFHX4-related disorder. Also called: ZFHX4-related condition.

Allele frequency attached by ClinVar (database versions not stated): ExAC 0.00002; TOPMed 0.00005.
gnomAD v4.1: 151 of 1,613,872 alleles (0.0094%); highest among the groups gnomAD compares: Non-Finnish European, 0.012%; no homozygotes.

Submission:

PreventionGenetics, part of Exact Sciences
Classification: Likely benign for ZFHX4-related condition. Last evaluated: 2019-07-12. Review status: no assertion criteria provided. Collection method: clinical testing. Allele origin: germline.
Comment: This variant is classified as likely benign based on ACMG/AMP sequence variant interpretation guidelines (Richards et al. 2015 PMID: 25741868, with internal and published modifications).

NM_024721.5(ZFHX4):c.1119C>T (p.Asp373=)

Gene: ZFHX4 (zinc finger homeobox 4; plus strand). Cytogenetic location: 8q21.13.
Variant type: single nucleotide variant.
Coding change: c.1119C>T on transcript NM_024721.5 (MANE Select); coding-DNA position 1119, C replaced by T.
Protein change: p.Asp373=; no amino-acid change (aspartic acid 373 retained).
Molecular consequence: synonymous variant.
Genome position (GRCh38, 1-based): chr8:76,705,207, C>T. VCF-style: chr8-76705207-C-T. GRCh37 (hg19) VCF-style: chr8-77617442-C-T.
Other names: c.1119C>T, p.Asp373= (NM_001410934.1).
Identifiers: ClinVar variation 3049996 (VCV003049996.2), dbSNP rs778804692, ClinGen allele CA4786751.
Genomic context (GRCh38, chr8:76,705,207, plus strand): 5'-CATAGGACCCGATCCAACCTTCCGCGGTTTATGGAGCGCTTTTCATGTTGAAAATGGTGA[C>T]TCTTTGCCGGCTGGCTTTGCCTTCTTAAAAGGAAGCGCGAGCACCTCGAGCTCAGCAGAG-3'
Protein context (NP_078997.4, residues 363-383): LWSAFHVENG[Asp373=]SLPAGFAFLK